The following is an entry in ClinVar:

NM_002386.4(MC1R):c.542C>G (p.Ala181Gly)

Gene: MC1R (melanocortin 1 receptor; plus strand). Cytogenetic location: 16q24.3.
Variant type: single nucleotide variant.
Coding change: c.542C>G on transcript NM_002386.4 (MANE Select); coding-DNA position 542, C replaced by G.
Protein change: p.Ala181Gly; replaces alanine 181 with glycine.
Molecular consequence: missense variant.
Genome position (GRCh38, 1-based): chr16:89,919,800, C>G. VCF-style: chr16-89919800-C-G. GRCh37 (hg19) VCF-style: chr16-89986208-C-G.
Other names: c.542C>G (NM_002386.3); short protein forms A181G.
Identifiers: ClinVar variation 2156905 (VCV002156905.5), dbSNP rs980772251, ClinGen allele CA286607524.

ClinVar aggregate classification (germline): Uncertain significance. Review status: criteria provided, multiple submitters, no conflicts (2 of 4 stars). 2 submissions from 2 submitters: Uncertain significance (2). Last evaluated 2025-08-19.

Conditions:
Melanoma, cutaneous malignant, susceptibility to, 5. Also called: Cutaneous malignant melanoma 5. Identifiers: Orphanet 618, MedGen C2751295, MONDO:0013133, OMIM 613099.

Submissions (2):

Labcorp Genetics (formerly Invitae), Labcorp
Classification: Uncertain significance for Melanoma, cutaneous malignant, susceptibility to, 5. Last evaluated: 2025-08-19. Review status: criteria provided, single submitter. Criteria: Invitae Variant Classification Sherloc (09022015). Collection method: clinical testing. Allele origin: germline.
Comment: This sequence change replaces alanine, which is neutral and non-polar, with glycine, which is neutral and non-polar, at codon 181 of the MC1R protein (p.Ala181Gly). This variant is not present in population databases (gnomAD no frequency). This variant has not been reported in the literature in individuals affected with MC1R-related conditions. ClinVar contains an entry for this variant (Variation ID: 2156905). Invitae Evidence Modeling of protein sequence and biophysical properties (such as structural, functional, and spatial information, amino acid conservation, physicochemical variation, residue mobility, and thermodynamic stability) indicates that this missense variant is not expected to disrupt MC1R protein function with a negative predictive value of 80%. In summary, the available evidence is currently insufficient to determine the role of this variant in disease. Therefore, it has been classified as a Variant of Uncertain Significance.

Ambry Genetics
Classification: Uncertain significance. Last evaluated: 2025-04-24. Review status: criteria provided, single submitter. Criteria: Ambry Variant Classification Scheme 2023. Collection method: clinical testing. Allele origin: germline.
Comment: The p.A181G variant (also known as c.542C>G), located in coding exon 1 of the MC1R gene, results from a C to G substitution at nucleotide position 542. The alanine at codon 181 is replaced by glycine, an amino acid with similar properties. This amino acid position is conserved. In addition, this alteration is predicted to be tolerated by in silico analysis. Based on the available evidence, the clinical significance of this variant remains unclear.